The following is an entry in ClinVar:

NM_000460.4(THPO):c.247G>C (p.Asp83His)

Gene: THPO (thrombopoietin; minus strand). Cytogenetic location: 3q27.1.
Variant type: single nucleotide variant.
Coding change: c.247G>C on transcript NM_000460.4 (MANE Select); coding-DNA position 247, G replaced by C.
Protein change: p.Asp83His; replaces aspartic acid 83 with histidine.
Molecular consequence: missense variant.
Genome position (GRCh38, 1-based): chr3:184,373,564, C>G on the plus strand (G>C on the coding strand, the complement: THPO is on the minus strand). VCF-style: chr3-184373564-C-G. GRCh37 (hg19) VCF-style: chr3-184091352-C-G.
Other names: c.247G>C, p.Asp83His (NM_001177597.2, NM_001177598.2, NM_001289997.1 and 5 more transcripts); c.667G>C, p.Asp223His (NM_001290003.1); short protein forms D223H, D83H.
Identifiers: ClinVar variation 3655660 (VCV003655660.2).

ClinVar aggregate classification (germline): Uncertain significance (1 of 4 stars; one submission).

Submission:

Labcorp Genetics (formerly Invitae), Labcorp
Classification: Uncertain significance. Last evaluated: 2024-06-05. Review status: criteria provided, single submitter. Criteria: Invitae Variant Classification Sherloc (09022015). Collection method: clinical testing. Allele origin: germline.
Comment: This sequence change replaces aspartic acid, which is acidic and polar, with histidine, which is basic and polar, at codon 83 of the THPO protein (p.Asp83His). This variant is not present in population databases (gnomAD no frequency). This variant has not been reported in the literature in individuals affected with THPO-related conditions. Advanced modeling of protein sequence and biophysical properties (such as structural, functional, and spatial information, amino acid conservation, physicochemical variation, residue mobility, and thermodynamic stability) performed at Invitae indicates that this missense variant is not expected to disrupt THPO protein function with a negative predictive value of 80%. In summary, the available evidence is currently insufficient to determine the role of this variant in disease. Therefore, it has been classified as a Variant of Uncertain Significance.